The following is an entry in ClinVar:

NM_003002.4(SDHD):c.433C>T (p.His145Tyr)

Gene: SDHD (succinate dehydrogenase complex subunit D; plus strand). Cytogenetic location: 11q23.1.
Variant type: single nucleotide variant.
Coding change: c.433C>T on transcript NM_003002.4 (MANE Select); coding-DNA position 433, C replaced by T.
Protein change: p.His145Tyr; replaces histidine 145 with tyrosine.
Molecular consequence: missense variant. On other transcripts: 3 prime UTR variant (2), non-coding transcript variant (1).
Genome position (GRCh38, 1-based): chr11:112,094,923, C>T. VCF-style: chr11-112094923-C-T. GRCh37 (hg19) VCF-style: chr11-111965647-C-T.
Other names: c.*30C>T (NM_001276503.2); c.316C>T, p.His106Tyr (NM_001276504.2); c.*131C>T (NM_001276506.2); c.433C>T (NM_003002.2); short protein forms H145Y, H106Y.
Identifiers: ClinVar variation 1900919 (VCV001900919.6), dbSNP rs121908984, ClinGen allele CA382619396.

ClinVar aggregate classification (germline): Uncertain significance. Review status: criteria provided, multiple submitters, no conflicts (2 of 4 stars). 2 submissions from 2 submitters: Uncertain significance (2). Last evaluated 2026-07-29.

Conditions:
Hereditary cancer-predisposing syndrome. Also called: Hereditary neoplastic syndrome; Neoplastic Syndromes, Hereditary; Tumor predisposition; Hereditary Cancer Syndrome. Identifiers: Orphanet 140162, MedGen C0027672, MeSH D009386, MONDO:0015356.
Pheochromocytoma. Also called: MAX-Related Hereditary Paraganglioma-Pheochromocytoma Syndrome. Identifiers: Orphanet 29072, MedGen C0031511, MONDO:0008233, OMIM 171300, HP:0002666.
Cowden syndrome 3 (CWS3). Identifiers: Orphanet 201, MedGen CN166604, MONDO:0014045.
Carney-Stratakis syndrome. Also called: PARAGANGLIOMA AND GASTROINTESTINAL STROMAL TUMOR. Identifiers: Orphanet 97286, MedGen C1847319, MONDO:0011740, OMIM 606864.
Paragangliomas with sensorineural hearing loss. Identifiers: MedGen C1868633.

Submissions (2):

Ambry Genetics
Classification: Uncertain significance for Hereditary cancer-predisposing syndrome. Last evaluated: 2026-07-29. Review status: criteria provided, single submitter. Criteria: Ambry Variant Classification Scheme 2023. Collection method: clinical testing. Allele origin: germline.
Comment: The p.H145Y variant (also known as c.433C>T), located in coding exon 4 of the SDHD gene, results from a C to T substitution at nucleotide position 433. The histidine at codon 145 is replaced by tyrosine, an amino acid with similar properties. This amino acid position is well conserved in available vertebrate species. In addition, the in silico prediction for this alteration is inconclusive. Based on the available evidence, the clinical significance of this variant remains unclear.

Labcorp Genetics (formerly Invitae), Labcorp
Classification: Uncertain significance for Carney-Stratakis syndrome; Paragangliomas with sensorineural hearing loss; Pheochromocytoma; Cowden syndrome 3. Last evaluated: 2024-08-12. Review status: criteria provided, single submitter. Criteria: Invitae Variant Classification Sherloc (09022015). Collection method: clinical testing. Allele origin: germline.
Comment: This sequence change replaces histidine, which is basic and polar, with tyrosine, which is neutral and polar, at codon 145 of the SDHD protein (p.His145Tyr). This variant is not present in population databases (gnomAD no frequency). This variant has not been reported in the literature in individuals affected with SDHD-related conditions. ClinVar contains an entry for this variant (Variation ID: 1900919). Advanced modeling of protein sequence and biophysical properties (such as structural, functional, and spatial information, amino acid conservation, physicochemical variation, residue mobility, and thermodynamic stability) has been performed at Invitae for this missense variant, however the output from this modeling did not meet the statistical confidence thresholds required to predict the impact of this variant on SDHD protein function. In summary, the available evidence is currently insufficient to determine the role of this variant in disease. Therefore, it has been classified as a Variant of Uncertain Significance.